The following is an entry in ClinVar:

ClinVar aggregate classification (germline): Pathogenic/Likely pathogenic. Review status: criteria provided, multiple submitters, no conflicts (2 of 4 stars). 3 submissions from 3 submitters: Pathogenic (2); Likely pathogenic (1). Last evaluated 2026-09-08.

Conditions:
Fabry disease. Also called: Fabry's disease; Angiokeratoma corporis diffusum; ALPHA-GALACTOSIDASE A DEFICIENCY; ANDERSON-FABRY DISEASE; CERAMIDE TRIHEXOSIDASE DEFICIENCY; GLA DEFICIENCY. Identifiers: Orphanet 324, MedGen C0002986, MONDO:0010526, OMIM 301500, HP:0001071. Disease mechanism: loss of function, Fabry disease is due to inactivating mutations in the X-linked GLA gene resulting in deficiency of the enzyme Alpha Galactosidase-A..

Submissions (3):

Genomenon, Inc
Classification: Pathogenic for Fabry disease. Last evaluated: 2026-09-08. Review status: criteria provided, single submitter. Criteria: Genomenon Sequence Variant Interpretation Standards - Updated. Collection method: curation. Allele origin: germline. Affected: yes.
Comment: GLA p.Pro205_Tyr207del (c.613_621del) is an in-frame deletion that results in the loss of multiple amino acids, from Proline at codon 205 to Tyrosine at codon 207. This variant has been observed in at least one proband with clinical features consistent with Fabry disease (PMID:9100224). At least one functional study has demonstrated a substantial alteration in protein function relative to the wild-type (PMID:27657681). This variant is located in a mutational hotspot and/or important functional domain. It is absent or not present at a significant frequency in gnomAD. In conclusion, we classify GLA p.Pro205_Tyr207del (c.613_621del) as a pathogenic variant.

Labcorp Genetics (formerly Invitae), Labcorp
Classification: Pathogenic for Fabry disease. Last evaluated: 2025-11-03. Review status: criteria provided, single submitter. Criteria: Invitae Variant Classification Sherloc (09022015). Collection method: clinical testing. Allele origin: germline.
Comment: This variant, c.613_621del, results in the deletion of 3 amino acid(s) of the GLA protein (p.Pro205_Tyr207del), but otherwise preserves the integrity of the reading frame. This variant is not present in population databases (gnomAD no frequency). This variant has been observed in individual(s) with Fabry disease (PMID: 9100224). This variant is also known as 613del9. ClinVar contains an entry for this variant (Variation ID: 594855). This variant disrupts a region of the GLA protein in which other variant(s) (p.Pro205Thr) have been determined to be pathogenic (PMID: 8875188, 18205205, 21598360). This suggests that this is a clinically significant region of the protein, and that variants that disrupt it are likely to be disease-causing. For these reasons, this variant has been classified as Pathogenic.

Eurofins Ntd Llc (ga)
Classification: Likely pathogenic. Last evaluated: 2017-11-28. Review status: criteria provided, single submitter. Criteria: EGL Classification Definitions 2015. Collection method: clinical testing. Allele origin: germline. Observed: 1 variant allele, 1 heterozygote.

Literature cited by the submitters: PubMed 9100224 (cited by Genomenon, Inc and Labcorp Genetics (formerly Invitae), Labcorp); PubMed 27657681 (cited by Genomenon, Inc); PubMed 8875188 (cited by Labcorp Genetics (formerly Invitae), Labcorp); PubMed 18205205 (cited by Labcorp Genetics (formerly Invitae), Labcorp); PubMed 21598360 (cited by Labcorp Genetics (formerly Invitae), Labcorp).

NM_000169.3(GLA):c.613_621del (p.Pro205_Tyr207del)

Genes: RPL36A-HNRNPH2 (RPL36A-HNRNPH2 readthrough; plus strand), GLA (galactosidase alpha; minus strand). Cytogenetic location: Xq22.1.
Variant type: Deletion.
Coding change: c.613_621del on transcript NM_000169.3 (MANE Select); coding-DNA positions 613 to 621, 9 bases deleted (CCTCTTTAT; older notation c.613_621delCCTCTTTAT).
Protein change: p.Pro205_Tyr207del.
Molecular consequence: inframe deletion. On other transcripts: non-coding transcript variant (2), intron variant (2).
Genome position (GRCh38, 1-based): chrX:101,400,684-101,400,692, ATAAAGAGG deleted on the plus strand (CCTCTTTAT on the coding strand, the reverse complement: GLA is on the minus strand). VCF-style (leftmost placement, unchanged base first): chrX-101400683-TATAAAGAGG-T. GRCh37 (hg19) VCF-style: chrX-100655671-TATAAAGAGG-T.
Other names: c.736_744del, p.Pro246_Tyr248del (NM_001406747.1); c.613_621del, p.Pro205_Tyr207del (NM_001406748.1); c.300+5227_300+5235del (NM_001199973.2); c.177+8862_177+8870del (NM_001199974.2).
Identifiers: ClinVar variation 594855 (VCV000594855.8), dbSNP rs1569303815, ClinGen allele CA913190388.
Genomic context (GRCh38, chrX:101,400,683, plus strand): 5'-TCTATCAGTACAGTTCTATTGGATTCTGGGCTCACTATCTCACCTTTTGAAAGGGCCACA[TATAAAGAGG>T]CCACTCACAGGAGTACACAATGCTTCTGCCAGTCCTATTCAGGGCCAAGGACATGTGCTT-3'